The following is an entry in ClinVar:

ClinVar aggregate classification (germline): Uncertain significance (1 of 4 stars; one submission).

Submission:

Quest Diagnostics Nichols Institute San Juan Capistrano
Classification: Uncertain significance. Last evaluated: 2025-10-21. Review status: criteria provided, single submitter. Criteria: Quest Diagnostics criteria. Collection method: clinical testing. Allele origin: unknown.
Comment: The VWF c.8156G>A (p.Cys2719Tyr) variant, to the best of our knowledge, has not been reported in the published literature. This variant also has not been reported in large, multi-ethnic general populations (Genome Aggregation Database). Analysis of this variant using bioinformatics tools for the prediction of the effect of amino acid changes on protein structure and function yielded predictions that this variant is damaging. Based on the available information, we are unable to determine the clinical significance of this variant.

NM_000552.5(VWF):c.8156G>A (p.Cys2719Tyr)

Gene: VWF (von Willebrand factor; minus strand). Cytogenetic location: 12p13.31.
Variant type: single nucleotide variant.
Coding change: c.8156G>A on transcript NM_000552.5 (MANE Select); coding-DNA position 8156, G replaced by A.
Protein change: p.Cys2719Tyr; replaces cysteine 2719 with tyrosine.
Molecular consequence: missense variant.
Genome position (GRCh38, 1-based): chr12:5,949,883, C>T on the plus strand (G>A on the coding strand, the complement: VWF is on the minus strand). VCF-style: chr12-5949883-C-T. GRCh37 (hg19) VCF-style: chr12-6059049-C-T.
Other names: short protein forms C2719Y.
Identifiers: ClinVar variation 4533028 (VCV004533028.1).